The following is an entry in ClinVar:

NM_000338.3(SLC12A1):c.2572C>T (p.Arg858Ter)

Gene: SLC12A1 (solute carrier family 12 member 1; plus strand). Cytogenetic location: 15q21.1.
Variant type: single nucleotide variant.
Coding change: c.2572C>T on transcript NM_000338.3 (MANE Select); coding-DNA position 2572, C replaced by T.
Protein change: p.Arg858Ter; replaces arginine 858 with a stop codon.
Molecular consequence: nonsense.
Genome position (GRCh38, 1-based): chr15:48,285,192, C>T. VCF-style: chr15-48285192-C-T. GRCh37 (hg19) VCF-style: chr15-48577389-C-T.
Other names: c.2572C>T, p.Arg858Ter (NM_001184832.2, NM_001384136.1); short protein forms R858*.
Identifiers: ClinVar variation 3006125 (VCV003006125.4), dbSNP rs750424494, ClinGen allele CA7547446.
Genomic context (GRCh38, chr15:48,285,192, plus strand): 5'-AGACTAGCATTGGAAGCGACTATCAAAGATAATGAGTGTGAAGAGGAAAGTGGAGGCATC[C>T]GAGGCTTGTTTAAAAAAGCTGGCAAGTTGAACATTACTAAGACAACGCCTAAAAAAGGTA-3'

ClinVar aggregate classification (germline): Pathogenic (1 of 4 stars; one submission).

Allele frequency attached by ClinVar (database versions not stated): TOPMed below 0.00001; gnomAD 0.00001.
gnomAD v4.1: 10 of 1,613,566 alleles (0.00062%); highest among the groups gnomAD compares: South Asian, 0.0022%; no homozygotes.

Submission:

Labcorp Genetics (formerly Invitae), Labcorp
Classification: Pathogenic. Last evaluated: 2024-01-15. Review status: criteria provided, single submitter. Criteria: Invitae Variant Classification Sherloc (09022015). Collection method: clinical testing. Allele origin: germline.
Comment: This sequence change creates a premature translational stop signal (p.Arg858*) in the SLC12A1 gene. It is expected to result in an absent or disrupted protein product. Loss-of-function variants in SLC12A1 are known to be pathogenic (PMID: 8640224, 9585600, 19096086). This variant is present in population databases (rs750424494, gnomAD 0.003%). This variant has not been reported in the literature in individuals affected with SLC12A1-related conditions. For these reasons, this variant has been classified as Pathogenic.

Literature cited by the submitters: PubMed 8640224; PubMed 9585600; PubMed 19096086.